The following is an entry in ClinVar:

NM_078470.6(COX15):c.776A>C (p.Gln259Pro)

Gene: COX15 (cytochrome c oxidase assembly homolog COX15; minus strand). Cytogenetic location: 10q24.2.
Variant type: single nucleotide variant.
Coding change: c.776A>C on transcript NM_078470.6 (MANE Select); coding-DNA position 776, A replaced by C.
Protein change: p.Gln259Pro; replaces glutamine 259 with proline.
Molecular consequence: missense variant. On other transcripts: non-coding transcript variant (1).
Genome position (GRCh38, 1-based): chr10:99,721,043, T>G on the plus strand (A>C on the coding strand, the complement: COX15 is on the minus strand). VCF-style: chr10-99721043-T-G. GRCh37 (hg19) VCF-style: chr10-101480800-T-G.
Other names: c.776A>C, p.Gln259Pro (NM_001320974.2, NM_001320975.2, NM_001372024.1 and 5 more transcripts); c.239A>C, p.Gln80Pro (NM_001320976.2); short protein forms Q259P, Q80P.
Identifiers: ClinVar variation 1992029 (VCV001992029.1), dbSNP rs2492692594, ClinGen allele CA378102429.

ClinVar aggregate classification (germline): Uncertain significance (1 of 4 stars; one submission).

Allele frequency attached by ClinVar (database versions not stated): gnomAD exomes below 0.00001.
gnomAD v4.1: 2 of 1,613,538 alleles (0.00012%); highest among the groups gnomAD compares: Non-Finnish European, 0.00017%; no homozygotes.

Submission:

Labcorp Genetics (formerly Invitae), Labcorp
Classification: Uncertain significance. Last evaluated: 2022-06-11. Review status: criteria provided, single submitter. Criteria: Invitae Variant Classification Sherloc (09022015). Collection method: clinical testing. Allele origin: germline.
Comment: This sequence change replaces glutamine, which is neutral and polar, with proline, which is neutral and non-polar, at codon 259 of the COX15 protein (p.Gln259Pro). This variant is not present in population databases (gnomAD no frequency). This variant has not been reported in the literature in individuals affected with COX15-related conditions. Algorithms developed to predict the effect of missense changes on protein structure and function are either unavailable or do not agree on the potential impact of this missense change (SIFT: "Not Available"; PolyPhen-2: "Benign"; Align-GVGD: "Not Available"). In summary, the available evidence is currently insufficient to determine the role of this variant in disease. Therefore, it has been classified as a Variant of Uncertain Significance.